The following is an entry in ClinVar:

NM_014704.4(CEP104):c.2621G>A (p.Arg874His)

Gene: CEP104 (centrosomal protein 104; minus strand). Cytogenetic location: 1p36.32.
Variant type: single nucleotide variant.
Coding change: c.2621G>A on transcript NM_014704.4 (MANE Select); coding-DNA position 2621, G replaced by A.
Protein change: p.Arg874His; replaces arginine 874 with histidine.
Molecular consequence: missense variant.
Genome position (GRCh38, 1-based): chr1:3,816,321, C>T on the plus strand (G>A on the coding strand, the complement: CEP104 is on the minus strand). VCF-style: chr1-3816321-C-T. GRCh37 (hg19) VCF-style: chr1-3732885-C-T.
Other names: short protein forms R874H.
Identifiers: ClinVar variation 1301277 (VCV001301277.8), dbSNP rs139076247, ClinGen allele CA551220.

ClinVar aggregate classification (germline): Conflicting classifications of pathogenicity. Review status: criteria provided, conflicting classifications (1 of 4 stars). 5 submissions from 5 submitters: Uncertain significance (4); Likely benign (1). Last evaluated 2024-10-10.

Conditions:
Inborn genetic diseases. Identifiers: MedGen C0950123, MeSH D030342.
Joubert syndrome 25 (JBTS25). Identifiers: Orphanet 475, MedGen C4084842, MONDO:0014770, OMIM 616781.

Allele frequency attached by ClinVar (database versions not stated): ESP Exome Variant Server 0.00023; ExAC 0.00027; gnomAD exomes 0.00033; gnomAD 0.00036 and 0.00041; TOPMed 0.00065.

Submissions (5):

Blueprint Genetics
Classification: Uncertain significance. Last evaluated: 2024-10-10. Review status: criteria provided, single submitter. Criteria: ACMG Guidelines, 2015. Collection method: clinical testing. Allele origin: germline.

Ambry Genetics
Classification: Uncertain significance for Inborn genetic diseases. Last evaluated: 2024-01-03. Review status: criteria provided, single submitter. Criteria: Ambry Variant Classification Scheme 2023. Collection method: clinical testing. Allele origin: germline.

Labcorp Genetics (formerly Invitae), Labcorp
Classification: Uncertain significance for Joubert syndrome 25. Last evaluated: 2023-10-13. Review status: criteria provided, single submitter. Criteria: Invitae Variant Classification Sherloc (09022015). Collection method: clinical testing. Allele origin: germline.
Comment: This sequence change replaces arginine, which is basic and polar, with histidine, which is basic and polar, at codon 874 of the CEP104 protein (p.Arg874His). This variant is present in population databases (rs139076247, gnomAD 0.08%). This variant has not been reported in the literature in individuals affected with CEP104-related conditions. ClinVar contains an entry for this variant (Variation ID: 1301277). An algorithm developed to predict the effect of missense changes on protein structure and function (PolyPhen-2) suggests that this variant is likely to be disruptive. In summary, the available evidence is currently insufficient to determine the role of this variant in disease. Therefore, it has been classified as a Variant of Uncertain Significance.

Women's Health and Genetics/Laboratory Corporation of America, LabCorp
Classification: Likely benign. Last evaluated: 2022-02-22. Review status: criteria provided, single submitter. Criteria: LabCorp Variant Classification Summary - May 2015. Collection method: clinical testing. Allele origin: germline.
Comment: Variant summary: CEP104 c.2621G>A (p.Arg874His) results in a non-conservative amino acid change in the encoded protein sequence. Four of five in-silico tools predict a damaging effect of the variant on protein function. The variant allele was found at a frequency of 0.00033 in 162220 control chromosomes, predominantly at a frequency of 0.00076 within the Latino subpopulation in the gnomAD database. The observed variant frequency within Latino control individuals in the gnomAD database is approximately 2 fold of the estimated maximal expected allele frequency for a pathogenic variant in CEP104 causing Joubert Syndrome And Related Disorders phenotype (0.0004), strongly suggesting that the variant is a benign polymorphism found primarily in populations of Latino origin. To our knowledge, no occurrence of c.2621G>A in individuals affected with Joubert Syndrome And Related Disorders and no experimental evidence demonstrating its impact on protein function have been reported. One ClinVar submitter (evaluation after 2014) cites the variant as uncertain significance. Based on the evidence outlined above, the variant was classified as likely benign.

GeneDx
Classification: Uncertain significance. Last evaluated: 2021-09-24. Review status: criteria provided, single submitter. Criteria: GeneDx Variant Classification Process June 2021. Collection method: clinical testing. Allele origin: germline. Affected: yes.
Comment: In silico analysis supports that this missense variant has a deleterious effect on protein structure/function; Has not been previously published as pathogenic or benign to our knowledge